The following is an entry in ClinVar:

NM_000169.3(GLA):c.453C>G (p.Tyr151Ter)

Genes: GLA (galactosidase alpha; minus strand), RPL36A-HNRNPH2 (RPL36A-HNRNPH2 readthrough; plus strand). Cytogenetic location: Xq22.1.
Variant type: single nucleotide variant.
Coding change: c.453C>G on transcript NM_000169.3 (MANE Select); coding-DNA position 453, C replaced by G.
Protein change: p.Tyr151Ter; replaces tyrosine 151 with a stop codon.
Molecular consequence: nonsense. On other transcripts: non-coding transcript variant (3), intron variant (2).
Genome position (GRCh38, 1-based): chrX:101,401,726, G>C on the plus strand (C>G on the coding strand, the complement: GLA is on the minus strand). VCF-style: chrX-101401726-G-C. GRCh37 (hg19) VCF-style: chrX-100656714-G-C.
Other names: c.576C>G, p.Tyr192Ter (NM_001406747.1, NM_001406749.1); c.453C>G, p.Tyr151Ter (NM_001406748.1); c.300+6269G>C (NM_001199973.2); c.177+9904G>C (NM_001199974.2); short protein forms Y151*, Y192*.
Identifiers: ClinVar variation 1064716 (VCV001064716.8), dbSNP rs869312305, ClinGen allele CA413929715.

ClinVar aggregate classification (germline): Pathogenic. Review status: criteria provided, multiple submitters, no conflicts (2 of 4 stars). 3 submissions from 3 submitters: Pathogenic (3). Last evaluated 2026-09-08.

Conditions:
Fabry disease. Also called: Fabry's disease; Angiokeratoma corporis diffusum; GLA DEFICIENCY; HEREDITARY DYSTOPIC LIPIDOSIS; ALPHA-GALACTOSIDASE A DEFICIENCY; ANDERSON-FABRY DISEASE. Identifiers: Orphanet 324, MedGen C0002986, MONDO:0010526, OMIM 301500, HP:0001071. Disease mechanism: loss of function, Fabry disease is due to inactivating mutations in the X-linked GLA gene resulting in deficiency of the enzyme Alpha Galactosidase-A..

Submissions (3):

Genomenon, Inc
Classification: Pathogenic for Fabry disease. Last evaluated: 2026-09-08. Review status: criteria provided, single submitter. Criteria: Genomenon Sequence Variant Interpretation Standards - Updated. Collection method: curation. Allele origin: germline. Affected: yes.
Comment: GLA p.Tyr151Ter (c.453C>G) is a nonsense variant that introduces a premature stop codon at amino acid position 151 and is predicted to result in a truncated or absent protein product. This variant has been observed in at least one proband with clinical features consistent with Fabry disease (PMID:16595074;28988177). Functional or patient cell studies have been reported (PMID:16595074). It is absent or not present at a significant frequency in gnomAD. In conclusion, we classify GLA p.Tyr151Ter (c.453C>G) as a pathogenic variant.

Labcorp Genetics (formerly Invitae), Labcorp
Classification: Pathogenic for Fabry disease. Last evaluated: 2024-06-11. Review status: criteria provided, single submitter. Criteria: Invitae Variant Classification Sherloc (09022015). Collection method: clinical testing. Allele origin: germline.
Comment: This sequence change creates a premature translational stop signal (p.Tyr151*) in the GLA gene. It is expected to result in an absent or disrupted protein product. Loss-of-function variants in GLA are known to be pathogenic (PMID: 10666480, 12175777). This variant is not present in population databases (gnomAD no frequency). This premature translational stop signal has been observed in individual(s) with Fabry disease (PMID: 15712228). ClinVar contains an entry for this variant (Variation ID: 1064716). For these reasons, this variant has been classified as Pathogenic.

CeMIA
Classification: Pathogenic for Fabry disease. Review status: criteria provided, single submitter. Criteria: ACMG Guidelines, 2015. Collection method: clinical testing. Allele origin: germline. Affected: yes. Observed: 3 variant alleles.
Comment: The variant causes interruption of the reading frame by the formation of a termination codon which results in a truncated protein. It was not detected amongst the 31360 individuals of the Genome Aggregation Database (gnomAD), indicating that it is not a common variant. Taking all the above into account and according to ACMG Guidelines (Criteria:PVS1, PM2, PP1, PP4) the variant is considered pathogenic.

Literature cited by the submitters: PubMed 16595074 (cited by Genomenon, Inc); PubMed 28988177 (cited by Genomenon, Inc and CeMIA); PubMed 10666480 (cited by Labcorp Genetics (formerly Invitae), Labcorp); PubMed 12175777 (cited by Labcorp Genetics (formerly Invitae), Labcorp); PubMed 15712228 (cited by Labcorp Genetics (formerly Invitae), Labcorp).